The following is an entry in ClinVar:

ClinVar aggregate classification (germline): Uncertain significance (1 of 4 stars; one submission).

Conditions:
Ehlers-Danlos syndrome, kyphoscoliotic type, 2. Also called: Ehlers-Danlos syndrome, kyphoscoliotic and deafness type; FKBP14-Kyphoscoliotic Ehlers-Danlos Syndrome; Ehlers-Danlos syndrome with progressive kyphoscoliosis, myopathy, and hearing loss. Identifiers: Orphanet 300179, MedGen C3281160, MONDO:0013800, OMIM 614557.

Allele frequency attached by ClinVar (database versions not stated): gnomAD exomes below 0.00001; TOPMed below 0.00001.
gnomAD v4.1: 5 of 1,614,110 alleles (0.00031%); highest among the groups gnomAD compares: South Asian, 0.0044%; no homozygotes.

Submission:

Labcorp Genetics (formerly Invitae), Labcorp
Classification: Uncertain significance for Ehlers-Danlos syndrome, kyphoscoliotic type, 2. Last evaluated: 2021-08-31. Review status: criteria provided, single submitter. Criteria: Invitae Variant Classification Sherloc (09022015). Collection method: clinical testing. Allele origin: germline.
Comment: This sequence change replaces histidine with arginine at codon 39 of the FKBP14 protein (p.His39Arg). The histidine residue is moderately conserved and there is a small physicochemical difference between histidine and arginine. This variant is not present in population databases (ExAC no frequency). This variant has not been reported in the literature in individuals affected with FKBP14-related conditions. Algorithms developed to predict the effect of missense changes on protein structure and function (SIFT, PolyPhen-2, Align-GVGD) all suggest that this variant is likely to be tolerated. In summary, the available evidence is currently insufficient to determine the role of this variant in disease. Therefore, it has been classified as a Variant of Uncertain Significance.

NM_017946.4(FKBP14):c.116A>G (p.His39Arg)

Genes: FKBP14 (FKBP prolyl isomerase 14; minus strand), FKBP14-AS1 (FKBP14 antisense RNA 1; plus strand). Cytogenetic location: 7p14.3.
Variant type: single nucleotide variant.
Coding change: c.116A>G on transcript NM_017946.4 (MANE Select); coding-DNA position 116, A replaced by G.
Protein change: p.His39Arg; replaces histidine 39 with arginine.
Molecular consequence: missense variant. On other transcripts: non-coding transcript variant (2).
Genome position (GRCh38, 1-based): chr7:30,026,393, T>C on the plus strand (A>G on the coding strand, the complement: FKBP14 is on the minus strand). VCF-style: chr7-30026393-T-C. GRCh37 (hg19) VCF-style: chr7-30066009-T-C.
Other names: short protein forms H39R.
Identifiers: ClinVar variation 540213 (VCV000540213.6), dbSNP rs778007431, ClinGen allele CA367117868.
Genomic context (GRCh38, chr7:30,026,393, plus strand): 5'-TCCTTTTCTAAGTAGCCTTCATAGTGGACCAACATCAAATCCCCTCCTTTGGTCTTGCGA[T>C]GGCAGATGAATGGCTTCTGGAGAACTTCAATTTTCACTTCTGGTTCAGGGATCAAAGCCC-3'
Protein context (NP_060416.1, residues 29-49): IEVLQKPFIC[His39Arg]RKTKGGDLML